The following is an entry in ClinVar:

ClinVar aggregate classification (germline): Uncertain significance. Review status: criteria provided, multiple submitters, no conflicts (2 of 4 stars). 2 submissions from 2 submitters: Uncertain significance (2). Last evaluated 2025-07-29.

Conditions:
Inborn genetic diseases. Identifiers: MedGen C0950123, MeSH D030342.

gnomAD v4.1: 93 of 1,598,040 alleles (0.0058%); highest among the groups gnomAD compares: Non-Finnish European, 0.0078%; no homozygotes.

Submissions (2):

Labcorp Genetics (formerly Invitae), Labcorp
Classification: Uncertain significance. Last evaluated: 2025-07-29. Review status: criteria provided, single submitter. Criteria: Invitae Variant Classification Sherloc (09022015). Collection method: clinical testing. Allele origin: germline.
Comment: This sequence change replaces isoleucine, which is neutral and non-polar, with phenylalanine, which is neutral and non-polar, at codon 425 of the RHBDF2 protein (p.Ile425Phe). This variant is present in population databases (no rsID available, gnomAD 0.007%). This variant has not been reported in the literature in individuals affected with RHBDF2-related conditions. ClinVar contains an entry for this variant (Variation ID: 3433091). An algorithm developed to predict the effect of missense changes on protein structure and function (PolyPhen-2) suggests that this variant is likely to be tolerated. In summary, the available evidence is currently insufficient to determine the role of this variant in disease. Therefore, it has been classified as a Variant of Uncertain Significance.

Ambry Genetics
Classification: Uncertain significance for Inborn genetic diseases. Last evaluated: 2024-09-04. Review status: criteria provided, single submitter. Criteria: Ambry Variant Classification Scheme 2023. Collection method: clinical testing. Allele origin: germline.

NM_001005498.4(RHBDF2):c.1186A>T (p.Ile396Phe)

Gene: RHBDF2 (rhomboid 5 homolog 2; minus strand). Cytogenetic location: 17q25.1.
Variant type: single nucleotide variant.
Coding change: c.1186A>T on transcript NM_001005498.4 (MANE Select); coding-DNA position 1186, A replaced by T.
Protein change: p.Ile396Phe; replaces isoleucine 396 with phenylalanine.
Molecular consequence: missense variant. On other transcripts: non-coding transcript variant (3).
Genome position (GRCh38, 1-based): chr17:76,475,071, T>A on the plus strand (A>T on the coding strand, the complement: RHBDF2 is on the minus strand). VCF-style: chr17-76475071-T-A. GRCh37 (hg19) VCF-style: chr17-74471153-T-A.
Other names: c.1186A>T, p.Ile396Phe (NM_001376228.1, NM_001376229.1, NM_001376230.1); c.1273A>T, p.Ile425Phe (NM_024599.5); short protein forms I396F, I425F.
Identifiers: ClinVar variation 3433091 (VCV003433091.2).